The following is an entry in ClinVar:

ClinVar aggregate classification (germline): Uncertain significance (1 of 4 stars; one submission).

Conditions:
Combined oxidative phosphorylation defect type 17. Also called: Combined oxidative phosphorylation deficiency 17. Identifiers: Orphanet 369913, MedGen C3809526, MONDO:0014190, OMIM 615440.

Submission:

Labcorp Genetics (formerly Invitae), Labcorp
Classification: Uncertain significance for Combined oxidative phosphorylation defect type 17. Last evaluated: 2021-08-14. Review status: criteria provided, single submitter. Criteria: Invitae Variant Classification Sherloc (09022015). Collection method: clinical testing. Allele origin: germline.
Comment: This variant has not been reported in the literature in individuals affected with ELAC2-related conditions. Algorithms developed to predict the effect of missense changes on protein structure and function are either unavailable or do not agree on the potential impact of this missense change (SIFT: "Tolerated"; PolyPhen-2: "Possibly Damaging"; Align-GVGD: "Class C0"). In summary, the available evidence is currently insufficient to determine the role of this variant in disease. Therefore, it has been classified as a Variant of Uncertain Significance. This variant is not present in population databases (ExAC no frequency). This sequence change replaces valine with leucine at codon 165 of the ELAC2 protein (p.Val165Leu). The valine residue is moderately conserved and there is a small physicochemical difference between valine and leucine.

NM_018127.7(ELAC2):c.493G>C (p.Val165Leu)

Gene: ELAC2 (elaC ribonuclease Z 2; minus strand). Cytogenetic location: 17p12.
Variant type: single nucleotide variant.
Coding change: c.493G>C on transcript NM_018127.7 (MANE Select); coding-DNA position 493, G replaced by C.
Protein change: p.Val165Leu; replaces valine 165 with leucine.
Molecular consequence: missense variant.
Genome position (GRCh38, 1-based): chr17:13,013,273, C>G on the plus strand (G>C on the coding strand, the complement: ELAC2 is on the minus strand). VCF-style: chr17-13013273-C-G. GRCh37 (hg19) VCF-style: chr17-12916590-C-G.
Other names: c.493G>C, p.Val165Leu (NM_001165962.2, NM_173717.2); short protein forms V165L.
Identifiers: ClinVar variation 1411264 (VCV001411264.6), dbSNP rs2143670315, ClinGen allele CA398217799.